The following is an entry in ClinVar:

ClinVar aggregate classification (germline): Likely pathogenic (1 of 4 stars; one submission).

Conditions:
Dilated cardiomyopathy 1G (CMD1G). Identifiers: Orphanet 154, MedGen C1858763, MONDO:0011400, OMIM 604145.
Autosomal recessive limb-girdle muscular dystrophy type 2J (LGMDR10). Also called: Limb-girdle muscular dystrophy, type 2J; MUSCULAR DYSTROPHY, LIMB-GIRDLE, AUTOSOMAL RECESSIVE 10. Identifiers: Orphanet 140922, MedGen C1837342, MONDO:0012127, OMIM 608807.

Submission:

Labcorp Genetics (formerly Invitae), Labcorp
Classification: Likely pathogenic for Dilated cardiomyopathy 1G; Autosomal recessive limb-girdle muscular dystrophy type 2J. Last evaluated: 2025-06-01. Review status: criteria provided, single submitter. Criteria: Invitae Variant Classification Sherloc (09022015). Collection method: clinical testing. Allele origin: germline.
Comment: This sequence change creates a premature translational stop signal (p.Met23606*) in the TTN gene. While this is not anticipated to result in nonsense mediated decay, it is expected to create a truncated TTN protein. This variant is not present in population databases (gnomAD no frequency). This variant has not been reported in the literature in individuals affected with TTN-related conditions. ClinVar contains an entry for this variant (Variation ID: 840830). This variant is located in the A band of TTN (PMID: 25589632). Truncating variants in this region are significantly overrepresented in patients affected with dilated cardiomyopathy (PMID: 25589632). Truncating variants in this region have also been reported in individuals affected with autosomal recessive centronuclear myopathy (PMID: 23975875). In summary, the currently available evidence indicates that the variant is pathogenic, but additional data are needed to prove that conclusively. Therefore, this variant has been classified as Likely Pathogenic.

Literature cited by the submitters: PubMed 25589632; PubMed 23975875.

NM_001267550.2(TTN):c.70814_70815insTT (p.Val23605_Met23606insTer)

Genes: TTN-AS1 (TTN antisense RNA 1; plus strand), TTN (titin; minus strand). Cytogenetic location: 2q31.2.
Variant type: Insertion.
Coding change: c.70814_70815insTT on transcript NM_001267550.2 (MANE Select); coding-DNA positions 70814 to 70815, TT inserted.
Protein change: p.Val23605_Met23606insTer.
Molecular consequence: frameshift variant.
Genome position: GRCh38 VCF-style: chr2-178575317-C-CAA. GRCh37 (hg19) VCF-style: chr2-179440044-C-CAA.
Other names: c.65891_65892insTT, p.Val21964_Met21965insTer (NM_001256850.1); c.43619_43620insTT, p.Val14540_Met14541insTer (NM_003319.4); c.63110_63111insTT, p.Val21037_Met21038insTer (NM_133378.4); c.43994_43995insTT, p.Val14665_Met14666insTer (NM_133432.3); c.44195_44196insTT, p.Val14732_Met14733insTer (NM_133437.4).
Identifiers: ClinVar variation 840830 (VCV000840830.12), dbSNP rs1709673176, ClinGen allele CA916081341.